The following is an entry in ClinVar:

NM_001029883.3(PCARE):c.3014C>A (p.Ala1005Glu)

Gene: PCARE (photoreceptor cilium actin regulator; minus strand). Cytogenetic location: 2p23.2.
Variant type: single nucleotide variant.
Coding change: c.3014C>A on transcript NM_001029883.3 (MANE Select); coding-DNA position 3014, C replaced by A.
Protein change: p.Ala1005Glu; replaces alanine 1005 with glutamic acid.
Molecular consequence: missense variant.
Genome position (GRCh38, 1-based): chr2:29,071,248, G>T on the plus strand (C>A on the coding strand, the complement: PCARE is on the minus strand). VCF-style: chr2-29071248-G-T. GRCh37 (hg19) VCF-style: chr2-29294114-G-T.
Other names: short protein forms A1005E.
Identifiers: ClinVar variation 1048887 (VCV001048887.1), dbSNP rs761782513, ClinGen allele CA1592052.

ClinVar aggregate classification (germline): Uncertain significance (0 of 4 stars; one submission).

Allele frequency attached by ClinVar (database versions not stated): gnomAD exomes below 0.00001; ExAC 0.00001.

Submission:

Department of Pathology and Laboratory Medicine, Sinai Health System
Classification: Uncertain significance. Review status: no assertion criteria provided. Collection method: clinical testing. Allele origin: unknown. Affected: yes. Study: The Canadian Open Genetics Repository (COGR).
Comment: The PCARE p.Ala1005Glu variant was not identified in the literature nor was it identified in ClinVar, Cosmic, or LOVD 3.0 databases. The variant was identified in dbSNP (ID: rs761782513) and was also found in control databases in 1 of 248064 chromosomes at a frequency of 0.000004 (Genome Aggregation Database Feb 27, 2017). The variant was observed in the following populations: European (non-Finnish) in 1 of 112380 chromosomes (freq: 0.000009), while the variant was not observed in the African, Latino, Ashkenazi Jewish, East Asian, European (Finnish), Other, and South Asian populations. The p.Ala1005 residue is not conserved in mammals and computational analyses (PolyPhen-2, SIFT, AlignGVGD, BLOSUM, MutationTaster) provide inconsistent predictions regarding the impact to the protein; this information is not very predictive of pathogenicity. The variant occurs outside of the splicing consensus sequence and 3 of 4 in silico or computational prediction software programs (SpliceSiteFinder, NNSPLICE, GeneSplicer) do not predict a difference in splicing. In summary, based on the above information the clinical significance of this variant cannot be determined with certainty at this time. This variant is classified as a variant of uncertain significance.